The following is an entry in ClinVar:

NM_003872.3(NRP2):c.2425+9511T>C

Gene: NRP2 (neuropilin 2; plus strand). Cytogenetic location: 2q33.3.
Variant type: single nucleotide variant.
Coding change: c.2425+9511T>C on transcript NM_003872.3 (MANE Select); 9511 bases into the intron after coding-DNA position 2425, T replaced by C.
Molecular consequence: intron variant. On other transcripts: missense variant (2).
Genome position (GRCh38, 1-based): chr2:205,776,314, T>C. VCF-style: chr2-205776314-T-C. GRCh37 (hg19) VCF-style: chr2-206641038-T-C.
Other names: c.2509T>C, p.Trp837Arg (NM_018534.4); c.2494T>C, p.Trp832Arg (NM_201267.2); c.2440+9496T>C (NM_201266.2); c.2425+9511T>C (NM_201279.2); short protein forms W832R, W837R.
Identifiers: ClinVar variation 4984913 (VCV004984913.1).
Genomic context (GRCh38, chr2:205,776,314, plus strand): 5'-CTCCTGCCAGGGACCGAGCCCACAGTGGACACGGTGCCCATGCAGCCCATCCCAGCCTAC[T>C]GGTATTACGTAATGGCCGCCGGGGGCGCCGTGCTGGTGCTGGTCTCCGTCGCGCTGGCCC-3'

ClinVar aggregate classification (germline): Uncertain significance (1 of 4 stars; one submission).

Conditions:
NRP2-related disorder. Also called: NRP2-related condition.

gnomAD v4.1: 4 of 1,613,100 alleles (0.00025%); highest among the groups gnomAD compares: Non-Finnish European, 0.00034%; no homozygotes.

Submission:

PreventionGenetics, part of Exact Sciences
Classification: Uncertain significance for NRP2-related condition. Last evaluated: 2026-08-07. Review status: criteria provided, single submitter. Criteria: ACMG Guidelines, 2015. Collection method: clinical testing. Allele origin: germline.
Comment: The NRP2 c.2494T>C variant is predicted to result in the amino acid substitution p.Trp832Arg. To our knowledge, this variant has not been reported in the literature. This variant is reported in 0.0065% of alleles in individuals of European (Non-Finnish) descent in gnomAD. At this time, the clinical significance of this variant is uncertain due to the absence of conclusive functional and genetic evidence.